The following is an entry in ClinVar:

NM_032043.3(BRIP1):c.2448G>A (p.Trp816Ter)

Gene: BRIP1 (BRCA1 interacting DNA helicase 1; minus strand). Cytogenetic location: 17q23.2.
Variant type: single nucleotide variant.
Coding change: c.2448G>A on transcript NM_032043.3 (MANE Select); coding-DNA position 2448, G replaced by A.
Protein change: p.Trp816Ter; replaces tryptophan 816 with a stop codon.
Molecular consequence: nonsense.
Genome position (GRCh38, 1-based): chr17:61,715,995, C>T on the plus strand (G>A on the coding strand, the complement: BRIP1 is on the minus strand). VCF-style: chr17-61715995-C-T. GRCh37 (hg19) VCF-style: chr17-59793356-C-T.
Other names: short protein forms W816*.
Identifiers: ClinVar variation 421768 (VCV000421768.10), dbSNP rs1064795352, ClinGen allele CA16620517.

ClinVar aggregate classification (germline): Pathogenic. Review status: criteria provided, multiple submitters, no conflicts (2 of 4 stars). 4 submissions from 4 submitters: Pathogenic (4). Last evaluated 2024-08-06.

Conditions:
Hereditary cancer-predisposing syndrome. Also called: Hereditary neoplastic syndrome; Hereditary Cancer Syndrome; Neoplastic Syndromes, Hereditary; Tumor predisposition. Identifiers: Orphanet 140162, MedGen C0027672, MeSH D009386, MONDO:0015356.
Fanconi anemia complementation group J. Also called: BRIP1-Related Fanconi Anemia. Identifiers: Orphanet 84, MedGen C1836860, MONDO:0012187, OMIM 609054.
Familial cancer of breast. Also called: hereditary breast carcinoma; Hereditary breast cancer; BREAST CANCER, FAMILIAL. Identifiers: Orphanet 227535, MedGen C0346153, MONDO:0016419, OMIM 114480. Disease mechanism: loss of function.

Submissions (4):

Labcorp Genetics (formerly Invitae), Labcorp
Classification: Pathogenic for Familial cancer of breast; Fanconi anemia complementation group J. Last evaluated: 2024-08-06. Review status: criteria provided, single submitter. Criteria: Invitae Variant Classification Sherloc (09022015). Collection method: clinical testing. Allele origin: germline.
Comment: This sequence change creates a premature translational stop signal (p.Trp816*) in the BRIP1 gene. It is expected to result in an absent or disrupted protein product. Loss-of-function variants in BRIP1 are known to be pathogenic (PMID: 16116423, 17033622, 21964575). This variant is not present in population databases (gnomAD no frequency). This premature translational stop signal has been observed in individual(s) with BRIP1-related conditions (PMID: 30322717). ClinVar contains an entry for this variant (Variation ID: 421768). For these reasons, this variant has been classified as Pathogenic.

Myriad Genetics, Inc.
Classification: Pathogenic for Familial cancer of breast. Last evaluated: 2023-06-06. Review status: criteria provided, single submitter. Criteria: Myriad Autosomal Dominant, Autosomal Recessive and X-Linked Classification Criteria (2023). Collection method: clinical testing. Allele origin: unknown.
Comment: This variant is considered pathogenic. This variant creates a termination codon and is predicted to result in premature protein truncation.

Color Diagnostics, LLC DBA Color Health
Classification: Pathogenic for Hereditary cancer-predisposing syndrome. Last evaluated: 2020-01-15. Review status: criteria provided, single submitter. Criteria: ACMG Guidelines, 2015. Collection method: clinical testing. Allele origin: germline.
Comment: This variant changes 1 nucleotide in exon 17 of the BRIP1 gene, creating a premature translation stop signal. This variant is expected to result in an absent or non-functional protein product. This variant has not been identified in the general population by the Genome Aggregation Database (gnomAD). Loss of BRIP1 function is a known mechanism of disease. Based on the available evidence, this variant is classified as Pathogenic.

GeneDx
Classification: Pathogenic. Last evaluated: 2017-05-19. Review status: criteria provided, single submitter. Criteria: GeneDx Variant Classification (06012015). Collection method: clinical testing. Allele origin: germline. Affected: yes.
Comment: This variant is denoted BRIP1 c.2448G>A at the cDNA level and p.Trp816Ter (W816X) at the protein level. The substitution creates a nonsense variant, which changes a Tryptophan to a premature stop codon (TGG>TGA), and is predicted to cause loss of normal protein function through either protein truncation or nonsense-mediated mRNA decay. Although this variant has not, to our knowledge, been reported in the literature, it is considered likely pathogenic.

Literature cited by the submitters: PubMed 16116423 (cited by Labcorp Genetics (formerly Invitae), Labcorp); PubMed 17033622 (cited by Labcorp Genetics (formerly Invitae), Labcorp); PubMed 21964575 (cited by Labcorp Genetics (formerly Invitae), Labcorp); PubMed 30322717 (cited by Labcorp Genetics (formerly Invitae), Labcorp).